The following is an entry in ClinVar:

ClinVar aggregate classification (germline): Conflicting classifications of pathogenicity. Review status: criteria provided, conflicting classifications (1 of 4 stars). 5 submissions from 5 submitters: Uncertain significance (3); Likely benign (1). 1 of the submissions does not count toward it. Last evaluated 2026-01-11.

Conditions:
Autosomal recessive polycystic kidney disease (ARPKD). Also called: AR polycystic kidney disease. Identifiers: Orphanet 731, Orphanet 8378, MedGen C0085548, MeSH D017044, MONDO:0009889.
PKHD1-related disorder. Also called: PKHD1-related condition.
Polycystic kidney disease 4 (PKD4). Also called: Autosomal Recessive Polycystic Kidney Disease – PKHD1; POLYCYSTIC KIDNEY AND HEPATIC DISEASE 1; POLYCYSTIC KIDNEY DISEASE, INFANTILE, TYPE I; POLYCYSTIC KIDNEY DISEASE 4 WITH OR WITHOUT POLYCYSTIC LIVER DISEASE; PKD3. Identifiers: MedGen C4540575, MONDO:0033004, OMIM 263200.

Allele frequency attached by ClinVar (database versions not stated): gnomAD 0.00003 and 0.00004; gnomAD exomes 0.00005 and 0.00007; TOPMed 0.00005; ExAC 0.00007; ESP Exome Variant Server 0.00023.
gnomAD v4.1: 76 of 1,614,024 alleles (0.0047%); highest among the groups gnomAD compares: Non-Finnish European, 0.003%; no homozygotes.

Submissions (5):

Labcorp Genetics (formerly Invitae), Labcorp
Classification: Likely benign for Autosomal recessive polycystic kidney disease. Last evaluated: 2026-01-11. Review status: criteria provided, single submitter. Criteria: Invitae Variant Classification Sherloc (09022015). Collection method: clinical testing. Allele origin: germline.

Fulgent Genetics
Classification: Uncertain significance for Polycystic kidney disease 4. Last evaluated: 2024-05-02. Review status: criteria provided, single submitter. Criteria: ACMG Guidelines, 2015. Collection method: clinical testing. Allele origin: germline.

GeneDx
Classification: Uncertain significance. Last evaluated: 2023-07-18. Review status: criteria provided, single submitter. Criteria: GeneDx Variant Classification Process June 2021. Collection method: clinical testing. Allele origin: germline. Affected: yes.
Comment: In silico analysis supports that this missense variant does not alter protein structure/function; Has not been previously published as pathogenic or benign to our knowledge

Department of Pathology and Laboratory Medicine, Sinai Health System
Classification: Uncertain significance for Polycystic kidney disease 4. Last evaluated: 2023-01-13. Review status: criteria provided, single submitter. Criteria: ACMG Guidelines, 2015. Collection method: research. Allele origin: germline.

PreventionGenetics, part of Exact Sciences
Classification: Uncertain significance for PKHD1-related condition. Last evaluated: 2024-01-18. Review status: no assertion criteria provided. Collection method: clinical testing. Allele origin: germline. Not counted in ClinVar's aggregate classification.
Comment: The PKHD1 c.4558G>A variant is predicted to result in the amino acid substitution p.Val1520Met. To our knowledge, this variant has not been reported in the literature. This variant is reported in 0.12% of alleles in individuals of Ashkenazi Jewish descent in gnomAD. At this time, the clinical significance of this variant is uncertain due to the absence of conclusive functional and genetic evidence.

NM_138694.4(PKHD1):c.4558G>A (p.Val1520Met)

Gene: PKHD1 (PKHD1 ciliary IPT domain containing fibrocystin/polyductin; minus strand). Cytogenetic location: 6p12.2.
Variant type: single nucleotide variant.
Coding change: c.4558G>A on transcript NM_138694.4 (MANE Select); coding-DNA position 4558, G replaced by A.
Protein change: p.Val1520Met; replaces valine 1520 with methionine.
Molecular consequence: missense variant.
Genome position (GRCh38, 1-based): chr6:52,025,252, C>T on the plus strand (G>A on the coding strand, the complement: PKHD1 is on the minus strand). VCF-style: chr6-52025252-C-T. GRCh37 (hg19) VCF-style: chr6-51890050-C-T.
Other names: c.4558G>A (NM_138694.3); c.4558G>A, p.Val1520Met (NM_170724.3); short protein forms V1520M.
Identifiers: ClinVar variation 1649604 (VCV001649604.12), dbSNP rs201858937, ClinGen allele CA3852700.